The following is an entry in ClinVar:

NM_000138.5(FBN1):c.1595A>G (p.Asp532Gly)

Gene: FBN1 (fibrillin 1; minus strand). Cytogenetic location: 15q21.1.
Variant type: single nucleotide variant.
Coding change: c.1595A>G on transcript NM_000138.5 (MANE Select); coding-DNA position 1595, A replaced by G.
Protein change: p.Asp532Gly; replaces aspartic acid 532 with glycine.
Molecular consequence: missense variant.
Genome position (GRCh38, 1-based): chr15:48,510,163, T>C on the plus strand (A>G on the coding strand, the complement: FBN1 is on the minus strand). VCF-style: chr15-48510163-T-C. GRCh37 (hg19) VCF-style: chr15-48802360-T-C.
Other names: short protein forms D532G.
Identifiers: ClinVar variation 527148 (VCV000527148.12), dbSNP rs745422205, ClinGen allele CA045242.

ClinVar aggregate classification (germline): Conflicting classifications of pathogenicity. Review status: criteria provided, conflicting classifications (1 of 4 stars). 3 submissions from 3 submitters: Likely pathogenic (1); Uncertain significance (2). Last evaluated 2025-09-04.

Conditions:
Familial thoracic aortic aneurysm and aortic dissection (TAAD). Also called: Thoracic aortic aneurysms and dissections. Identifiers: Orphanet 91387, MedGen C4707243, MONDO:0019625.
Marfan syndrome (MFS). Also called: Marfan syndrome type 1; Marfan syndrome, classic; Marfan's syndrome; FBN1-Related Marfan Syndrome; MARFAN SYNDROME, TYPE I. Identifiers: Orphanet 284963, Orphanet 558, MedGen C0024796, MONDO:0007947, OMIM 154700.
FBN1-related disorder. Also called: FBN1-related disorders.

Allele frequency attached by ClinVar (database versions not stated): gnomAD exomes below 0.00001; ExAC 0.00001.
gnomAD v4.1: 1 of 1,613,226 alleles (0.000062%); highest among the groups gnomAD compares: Non-Finnish European, 0.000085%; no homozygotes.

Submissions (3):

Labcorp Genetics (formerly Invitae), Labcorp
Classification: Uncertain significance for Marfan syndrome; Familial thoracic aortic aneurysm and aortic dissection. Last evaluated: 2025-09-04. Review status: criteria provided, single submitter. Criteria: Invitae Variant Classification Sherloc (09022015). Collection method: clinical testing. Allele origin: germline.
Comment: This sequence change replaces aspartic acid, which is acidic and polar, with glycine, which is neutral and non-polar, at codon 532 of the FBN1 protein (p.Asp532Gly). The frequency data for this variant in the population databases is considered unreliable, as metrics indicate poor data quality at this position in the gnomAD database. This missense change has been observed in individual(s) with clinical features of FBN1-related conditions (internal data). ClinVar contains an entry for this variant (Variation ID: 527148). Invitae Evidence Modeling of protein sequence and biophysical properties (such as structural, functional, and spatial information, amino acid conservation, physicochemical variation, residue mobility, and thermodynamic stability) indicates that this missense variant is expected to disrupt FBN1 protein function with a positive predictive value of 95%. In summary, the available evidence is currently insufficient to determine the role of this variant in disease. Therefore, it has been classified as a Variant of Uncertain Significance.

CHEO Genetics Diagnostic Laboratory, Children's Hospital of Eastern Ontario
Classification: Uncertain significance for Familial thoracic aortic aneurysm and aortic dissection. Last evaluated: 2023-06-22. Review status: criteria provided, single submitter. Criteria: ACMG Guidelines, 2015. Collection method: clinical testing. Allele origin: germline.

Blueprint Genetics
Classification: Likely pathogenic for FBN1-related disorders. Last evaluated: 2018-08-10. Review status: criteria provided, single submitter. Criteria: ACMG Guidelines, 2015. Collection method: clinical testing. Allele origin: germline. Affected: yes. Observed: 1 variant allele.